The following is an entry in ClinVar:

ClinVar aggregate classification (germline): Pathogenic (1 of 4 stars; one submission).

Submission:

GeneDx
Classification: Pathogenic. Last evaluated: 2017-07-27. Review status: criteria provided, single submitter. Criteria: GeneDx Variant Classification (06012015). Collection method: clinical testing. Allele origin: germline. Affected: yes.
Comment: The c.4602delC variant in the KAT6B gene has not been reported previously as a pathogenic variant nor as a benign variant, to our knowledge. This deletion causes a frameshift starting with codon Methionine 1535, changes this amino acid to a Tryptophan residue, and creates a premature Stop codon at position 14 of the new reading frame, denoted p.Met1535TrpfsX14. This variant is predicted to cause loss of normal protein function through protein truncation. The c.4602delC variant is not observed in large population cohorts (Lek et al., 2016; 1000 Genomes Consortium et al., 2015; Exome Variant Server). Based on currently available evidence, we interpret c.4602delC as a pathogenic variant.

NM_012330.4(KAT6B):c.4602del (p.Met1535fs)

Gene: KAT6B (lysine acetyltransferase 6B; plus strand). Cytogenetic location: 10q22.2.
Variant type: Deletion.
Coding change: c.4602del on transcript NM_012330.4 (MANE Select); coding-DNA position 4602, one base deleted (C; older notation c.4602delC).
Protein change: p.Met1535fs; shifts the reading frame from methionine 1535.
Molecular consequence: frameshift variant.
Genome position (GRCh38, 1-based): chr10:75,029,426, C deleted; the last of 2 consecutive C bases (chr10:75,029,425-75,029,426); deleting either gives the same sequence. VCF-style (leftmost placement, unchanged base first): chr10-75029424-AC-A. GRCh37 (hg19) VCF-style: chr10-76789182-AC-A.
Other names: c.4053del, p.Met1352fs (NM_001256468.2, NM_001370138.1); c.3726del, p.Met1243fs (NM_001256469.2, NM_001370139.1, NM_001370140.1 and 2 more transcripts); c.3564del, p.Met1189fs (NM_001370132.1); c.2913del, p.Met972fs (NM_001370133.1); c.2517del, p.Met840fs (NM_001370134.1); c.2259del, p.Met754fs (NM_001370135.1); c.4602del, p.Met1535fs (NM_001370136.1, NM_001370137.1); c.3537del, p.Met1180fs (NM_001370143.1, NM_001370144.1); short protein forms M1535fs, M1180fs, M1189fs, M840fs, M1243fs, M1352fs, M972fs, M754fs.
Identifiers: ClinVar variation 450746 (VCV000450746.2), dbSNP rs1554845914, ClinGen allele CA658657968.
Genomic context (GRCh38, chr10:75,029,424, plus strand): 5'-AAGCAGGACCAAAAGAACAGCAAGGAAGTCGATACAGAGTTCAAAGAGGGAAACCCAGCA[AC>A]CATGGAAATCGACTCTGAGACTGTCCAGGCCGTTCAGTCTTTGACCCAGGAGAGCAGCGA-3'